The following is an entry in ClinVar:

NM_007294.4(BRCA1):c.53T>G (p.Met18Arg)

Gene: BRCA1 (BRCA1 DNA repair associated; minus strand). Cytogenetic location: 17q21.31.
Variant type: single nucleotide variant.
Coding change: c.53T>G on transcript NM_007294.4 (MANE Select); coding-DNA position 53, T replaced by G.
Protein change: p.Met18Arg; replaces methionine 18 with arginine.
Molecular consequence: missense variant. On other transcripts: 5 prime UTR variant (1), non-coding transcript variant (1).
Genome position (GRCh38, 1-based): chr17:43,124,044, A>C on the plus strand (T>G on the coding strand, the complement: BRCA1 is on the minus strand). VCF-style: chr17-43124044-A-C. GRCh37 (hg19) VCF-style: chr17-41276061-A-C.
Other names: c.-136T>G (NM_001407571.1, NM_001407853.1, NM_001407879.1 and 46 more transcripts); c.53T>G, p.Met18Arg (NM_001407581.1, NM_001407582.1, NM_001407583.1 and 193 more transcripts); c.-205T>G (NM_001407694.1, NM_001407724.1, NM_001407727.1 and 11 more transcripts); c.-209T>G (NM_001407695.1, NM_001408465.1); c.-350T>G (NM_001407696.1); c.-234T>G (NM_001407697.1, NM_001407846.1, NM_001407920.1); c.-35T>G (NM_001407698.1, NM_001407732.1, NM_001407736.1 and 23 more transcripts); c.-208T>G (NM_001407725.1, NM_001407730.1, NM_001407734.1 and 22 more transcripts); and 8 more; short protein forms M18R.
Identifiers: ClinVar variation 531241 (VCV000531241.14), dbSNP rs80356929, ClinGen allele CA10602052.
Genomic context (GRCh38, chr17:43,124,044, plus strand): 5'-ATCCCAAATTAATACACTCTTGTGCTGACTTACCAGATGGGACACTCTAAGATTTTCTGC[A>C]TAGCATTAATGACATTTTGTACTTCTTCAACGCGAAGAGCAGATAAATCCATTTCTTTCT-3'
Protein context (NP_009225.1, residues 8-28): VEEVQNVINA[Met18Arg]QKILECPICL

ClinVar aggregate classification (germline): Likely pathogenic. Review status: criteria provided, multiple submitters, no conflicts (2 of 4 stars). 2 submissions from 2 submitters: Likely pathogenic (2). Last evaluated 2025-04-28.

Conditions:
Hereditary breast ovarian cancer syndrome. Also called: Breast and ovarian cancer; Hereditary breast and/or ovarian cancer syndrome; BRCA1- and BRCA2-Associated Hereditary Breast and Ovarian Cancer; Hereditary breast and ovarian cancer syndrome; Hereditary breast and ovarian cancer syndrome (HBOC); Hereditary breast and ovarian cancer. Identifiers: Orphanet 145, MedGen C0677776, MeSH D061325, MONDO:0003582. Disease mechanism: loss of function.
Breast-ovarian cancer, familial, susceptibility to, 1 (BROVCA1). Also called: BRCA1 Hereditary Breast and Ovarian Cancer; OVARIAN CANCER, SUSCEPTIBILITY TO. Identifiers: Orphanet 145, MedGen C2676676, MONDO:0011450, OMIM 604370. Disease mechanism: loss of function.

Submissions (3):

Labcorp Genetics (formerly Invitae), Labcorp
Classification: Likely pathogenic for Hereditary breast ovarian cancer syndrome. Last evaluated: 2025-04-28. Review status: criteria provided, single submitter. Criteria: Invitae Variant Classification Sherloc (09022015). Collection method: clinical testing. Allele origin: germline.
Comment: This sequence change replaces methionine, which is neutral and non-polar, with arginine, which is basic and polar, at codon 18 of the BRCA1 protein (p.Met18Arg). This variant is not present in population databases (gnomAD no frequency). This missense change has been observed in individual(s) with breast cancer and/or ovarian cancer (internal data). ClinVar contains an entry for this variant (Variation ID: 531241). Invitae Evidence Modeling incorporating data from in vitro experimental studies (PMID: 30209399) indicates that this missense variant is expected to disrupt BRCA1 function with a positive predictive value of 95%. Experimental studies have shown that this missense change affects BRCA1 function (PMID: 30209399). Algorithms developed to predict the effect of sequence changes on RNA splicing suggest that this variant may disrupt the consensus splice site. This variant disrupts the p.Met18 amino acid residue in BRCA1. Other variant(s) that disrupt this residue have been determined to be pathogenic (PMID: 17924331, 21922593, 21990134, 23161852, 23867111). This suggests that this residue is clinically significant, and that variants that disrupt this residue are likely to be disease-causing. In summary, the currently available evidence indicates that the variant is pathogenic, but additional data are needed to prove that conclusively. Therefore, this variant has been classified as Likely Pathogenic.

Molecular Endocrinology Laboratory, Christian Medical College
Classification: Likely pathogenic for Breast-ovarian cancer, familial, susceptibility to, 1. Review status: criteria provided, single submitter. Criteria: ACMG Guidelines, 2015. Collection method: clinical testing. Allele origin: germline. Affected: yes.

Brotman Baty Institute, University of Washington
No classification provided (evidence only). Condition: Breast-ovarian cancer, familial 1. Review status: no classification provided. Collection method: in vitro. Allele origin: not applicable. Functional consequence: functionally_abnormal. Not counted in ClinVar's aggregate classification.
ClinVar note: "not provided" was previously submitted as the classification for the variant. However, the classification appeared to be based only on an observation of functional data so it was converted to no classification on 2025-07-30.

Literature cited by the submitters: PubMed 30209399 (cited by Labcorp Genetics (formerly Invitae), Labcorp); PubMed 17924331 (cited by Labcorp Genetics (formerly Invitae), Labcorp and Molecular Endocrinology Laboratory, Christian Medical College); PubMed 21922593 (cited by Labcorp Genetics (formerly Invitae), Labcorp); PubMed 21990134 (cited by Labcorp Genetics (formerly Invitae), Labcorp); PubMed 23161852 (cited by Labcorp Genetics (formerly Invitae), Labcorp); PubMed 23867111 (cited by Labcorp Genetics (formerly Invitae), Labcorp).